The following is an entry in ClinVar:

ClinVar aggregate classification (germline): Pathogenic. Review status: criteria provided, multiple submitters, no conflicts (2 of 4 stars). 3 submissions from 3 submitters: Pathogenic (2). 1 of the submissions does not count toward it. Last evaluated 2023-04-02.

Conditions:
Congenital lactic acidosis, Saguenay-Lac-Saint-Jean type (MC4DN5). Also called: CYTOCHROME c OXIDASE DEFICIENCY, FRENCH CANADIAN TYPE; COX DEFICIENCY, FRENCH CANADIAN TYPE; MITOCHONDRIAL COMPLEX IV DEFICIENCY, NUCLEAR TYPE 5. Identifiers: Orphanet 70472, MedGen C1857355, MONDO:0009069, OMIM 220111.

gnomAD v4.1: 3 of 1,600,482 alleles (0.00019%); highest among the groups gnomAD compares: Non-Finnish European, 0.00026%; no homozygotes.

Submissions (3):

Baylor Genetics
Classification: Pathogenic for Congenital lactic acidosis, Saguenay-Lac-Saint-Jean type. Last evaluated: 2023-04-02. Review status: criteria provided, single submitter. Criteria: ACMG Guidelines, 2015. Collection method: clinical testing. Allele origin: unknown.

Labcorp Genetics (formerly Invitae), Labcorp
Classification: Pathogenic. Last evaluated: 2022-02-09. Review status: criteria provided, single submitter. Criteria: Invitae Variant Classification Sherloc (09022015). Collection method: clinical testing. Allele origin: germline.
Comment: ClinVar contains an entry for this variant (Variation ID: 218165). Studies have shown that disruption of this splice site results in skipping of exon 35, but is expected to preserve the integrity of the reading-frame (PMID: 26510951). For these reasons, this variant has been classified as Pathogenic. Disruption of this splice site has been observed in individuals with Leigh syndrome (PMID: 26510951). This sequence change affects a donor splice site in intron 35 of the LRPPRC gene. RNA analysis indicates that disruption of this splice site induces altered splicing and likely results in a shortened protein product. This variant is not present in population databases (gnomAD no frequency).

OMIM
Classification: Pathogenic for MITOCHONDRIAL COMPLEX IV DEFICIENCY, NUCLEAR TYPE 5. Last evaluated: 2015-12-01. Review status: no assertion criteria provided. Collection method: literature only. Allele origin: germline. Not counted in ClinVar's aggregate classification.

Literature cited by the submitters: PubMed 26510951 (cited by Labcorp Genetics (formerly Invitae), Labcorp and OMIM).

NM_133259.4(LRPPRC):c.3900+1G>C

Gene: LRPPRC (leucine rich pentatricopeptide repeat containing; minus strand). Cytogenetic location: 2p21.
Variant type: single nucleotide variant.
Coding change: c.3900+1G>C on transcript NM_133259.4 (MANE Select); the canonical splice donor site of the intron after coding-DNA position 3900, G replaced by C.
Molecular consequence: splice donor variant.
Genome position (GRCh38, 1-based): chr2:43,896,633, C>G on the plus strand (G>C on the coding strand, the complement: LRPPRC is on the minus strand). VCF-style: chr2-43896633-C-G. GRCh37 (hg19) VCF-style: chr2-44123772-C-G.
Other names: IVS35DS, G-T, +1.
Identifiers: ClinVar variation 218165 (VCV000218165.8), dbSNP rs863225443, ClinGen allele CA279907.